The following is an entry in ClinVar:

ClinVar aggregate classification (germline): Uncertain significance (1 of 4 stars; one submission).

Conditions:
Hereditary cancer-predisposing syndrome. Also called: Tumor predisposition; Hereditary Cancer Syndrome; Hereditary neoplastic syndrome; Neoplastic Syndromes, Hereditary. Identifiers: Orphanet 140162, MedGen C0027672, MeSH D009386, MONDO:0015356.

Submission:

Ambry Genetics
Classification: Uncertain significance for Hereditary cancer-predisposing syndrome. Last evaluated: 2024-06-13. Review status: criteria provided, single submitter. Criteria: Ambry Variant Classification Scheme 2023. Collection method: clinical testing. Allele origin: germline.
Comment: The p.H61P variant (also known as c.182A>C), located in coding exon 1 of the FLCN gene, results from an A to C substitution at nucleotide position 182. The histidine at codon 61 is replaced by proline, an amino acid with similar properties. This amino acid position is conserved. In addition, the in silico prediction for this alteration is inconclusive. Based on the available evidence, the clinical significance of this variant remains unclear.

NM_144997.7(FLCN):c.182A>C (p.His61Pro)

Gene: FLCN (folliculin; minus strand). Cytogenetic location: 17p11.2.
Variant type: single nucleotide variant.
Coding change: c.182A>C on transcript NM_144997.7 (MANE Select); coding-DNA position 182, A replaced by C.
Protein change: p.His61Pro; replaces histidine 61 with proline.
Molecular consequence: missense variant.
Genome position (GRCh38, 1-based): chr17:17,227,956, T>G on the plus strand (A>C on the coding strand, the complement: FLCN is on the minus strand). VCF-style: chr17-17227956-T-G. GRCh37 (hg19) VCF-style: chr17-17131270-T-G.
Other names: c.182A>C, p.His61Pro (NM_001353229.2, NM_001353230.2, NM_001353231.2 and 1 more transcripts); short protein forms H61P.
Identifiers: ClinVar variation 3279039 (VCV003279039.1).